The following is an entry in ClinVar:

ClinVar aggregate classification (germline): Uncertain significance (1 of 4 stars; one submission).

Conditions:
Autosomal recessive severe congenital neutropenia due to CSF3R deficiency. Also called: Neutropenia, severe congenital, 7, autosomal recessive. Identifiers: Orphanet 420702, MedGen C4310764, MONDO:0014865, OMIM 617014.

Submission:

Labcorp Genetics (formerly Invitae), Labcorp
Classification: Uncertain significance for Autosomal recessive severe congenital neutropenia due to CSF3R deficiency. Last evaluated: 2023-10-22. Review status: criteria provided, single submitter. Criteria: Invitae Variant Classification Sherloc (09022015). Collection method: clinical testing. Allele origin: germline.
Comment: This sequence change replaces threonine, which is neutral and polar, with asparagine, which is neutral and polar, at codon 738 of the CSF3R protein (p.Thr738Asn). This variant is not present in population databases (gnomAD no frequency). This variant has not been reported in the literature in individuals affected with CSF3R-related conditions. ClinVar contains an entry for this variant (Variation ID: 2176579). Advanced modeling of protein sequence and biophysical properties (such as structural, functional, and spatial information, amino acid conservation, physicochemical variation, residue mobility, and thermodynamic stability) performed at Invitae indicates that this missense variant is not expected to disrupt CSF3R protein function. In summary, the available evidence is currently insufficient to determine the role of this variant in disease. Therefore, it has been classified as a Variant of Uncertain Significance.

NM_000760.4(CSF3R):c.2213C>A (p.Thr738Asn)

Gene: CSF3R (colony stimulating factor 3 receptor; minus strand). Cytogenetic location: 1p34.3.
Variant type: single nucleotide variant.
Coding change: c.2213C>A on transcript NM_000760.4 (MANE Select); coding-DNA position 2213, C replaced by A.
Protein change: p.Thr738Asn; replaces threonine 738 with asparagine.
Molecular consequence: missense variant.
Genome position (GRCh38, 1-based): chr1:36,466,655, G>T on the plus strand (C>A on the coding strand, the complement: CSF3R is on the minus strand). VCF-style: chr1-36466655-G-T. GRCh37 (hg19) VCF-style: chr1-36932256-G-T.
Other names: c.2294C>A, p.Thr765Asn (NM_156039.3); c.2213C>A, p.Thr738Asn (NM_172313.3); short protein forms T738N, T765N.
Identifiers: ClinVar variation 2176579 (VCV002176579.4), dbSNP rs2521723059, ClinGen allele CA339413646.